The following is an entry in ClinVar:

ClinVar aggregate classification (germline): Uncertain significance (1 of 4 stars; one submission).

Submission:

Labcorp Genetics (formerly Invitae), Labcorp
Classification: Uncertain significance. Last evaluated: 2021-12-02. Review status: criteria provided, single submitter. Criteria: Invitae Variant Classification Sherloc (09022015). Collection method: clinical testing. Allele origin: germline.
Comment: This sequence change replaces threonine, which is neutral and polar, with serine, which is neutral and polar, at codon 664 of the COL9A3 protein (p.Thr664Ser). In summary, the available evidence is currently insufficient to determine the role of this variant in disease. Therefore, it has been classified as a Variant of Uncertain Significance. Advanced modeling of protein sequence and biophysical properties (such as structural, functional, and spatial information, amino acid conservation, physicochemical variation, residue mobility, and thermodynamic stability) performed at Invitae indicates that this missense variant is not expected to disrupt COL9A3 protein function. This variant has not been reported in the literature in individuals affected with COL9A3-related conditions. This variant is not present in population databases (gnomAD no frequency).

NM_001853.4(COL9A3):c.1990A>T (p.Thr664Ser)

Gene: COL9A3 (collagen type IX alpha 3 chain; plus strand). Cytogenetic location: 20q13.33.
Variant type: single nucleotide variant.
Coding change: c.1990A>T on transcript NM_001853.4 (MANE Select); coding-DNA position 1990, A replaced by T.
Protein change: p.Thr664Ser; replaces threonine 664 with serine.
Molecular consequence: missense variant.
Genome position (GRCh38, 1-based): chr20:62,840,667, A>T. VCF-style: chr20-62840667-A-T. GRCh37 (hg19) VCF-style: chr20-61472019-A-T.
Other names: short protein forms T664S.
Identifiers: ClinVar variation 1432448 (VCV001432448.8), dbSNP rs2147235876, ClinGen allele CA409601779.